The following is an entry in ClinVar:

ClinVar aggregate classification (germline): Uncertain significance (1 of 4 stars; one submission).

Allele frequency attached by ClinVar (database versions not stated): TOPMed below 0.00001.
gnomAD v4.1: 2 of 1,613,260 alleles (0.00012%); no homozygotes.

Submission:

Labcorp Genetics (formerly Invitae), Labcorp
Classification: Uncertain significance. Last evaluated: 2024-01-19. Review status: criteria provided, single submitter. Criteria: Invitae Variant Classification Sherloc (09022015). Collection method: clinical testing. Allele origin: germline.
Comment: This sequence change replaces alanine, which is neutral and non-polar, with valine, which is neutral and non-polar, at codon 287 of the ALPK1 protein (p.Ala287Val). This variant is present in population databases (no rsID available, gnomAD 0.006%). This variant has not been reported in the literature in individuals affected with ALPK1-related conditions. Advanced modeling of protein sequence and biophysical properties (such as structural, functional, and spatial information, amino acid conservation, physicochemical variation, residue mobility, and thermodynamic stability) performed at Invitae indicates that this missense variant is not expected to disrupt ALPK1 protein function with a negative predictive value of 80%. In summary, the available evidence is currently insufficient to determine the role of this variant in disease. Therefore, it has been classified as a Variant of Uncertain Significance.

NM_025144.4(ALPK1):c.860C>T (p.Ala287Val)

Gene: ALPK1 (alpha kinase 1; plus strand). Cytogenetic location: 4q25.
Variant type: single nucleotide variant.
Coding change: c.860C>T on transcript NM_025144.4 (MANE Select); coding-DNA position 860, C replaced by T.
Protein change: p.Ala287Val; replaces alanine 287 with valine.
Molecular consequence: missense variant.
Genome position (GRCh38, 1-based): chr4:112,429,213, C>T. VCF-style: chr4-112429213-C-T. GRCh37 (hg19) VCF-style: chr4-113350369-C-T.
Other names: c.860C>T, p.Ala287Val (NM_001102406.2); c.626C>T, p.Ala209Val (NM_001253884.2); short protein forms A287V, A209V.
Identifiers: ClinVar variation 2712760 (VCV002712760.3), dbSNP rs1156683694, ClinGen allele CA357889429.